The following is an entry in ClinVar:

NM_017617.5(NOTCH1):c.6451C>T (p.Pro2151Ser)

Gene: NOTCH1 (notch receptor 1; minus strand). Cytogenetic location: 9q34.3.
Variant type: single nucleotide variant.
Coding change: c.6451C>T on transcript NM_017617.5 (MANE Select); coding-DNA position 6451, C replaced by T.
Protein change: p.Pro2151Ser; replaces proline 2151 with serine.
Molecular consequence: missense variant.
Genome position (GRCh38, 1-based): chr9:136,497,288, G>A on the plus strand (C>T on the coding strand, the complement: NOTCH1 is on the minus strand). VCF-style: chr9-136497288-G-A. GRCh37 (hg19) VCF-style: chr9-139391740-G-A.
Other names: short protein forms P2151S.
Identifiers: ClinVar variation 1024500 (VCV001024500.9), dbSNP rs1842932370, ClinGen allele CA375631673.
Genomic context (GRCh38, chr9:136,497,288, plus strand): 5'-TGCTTCCACAGGCCAGGCCTTTGCTGCTGGGCTTGCGGACCTTCTTGCCCTGCACGCCGG[G>A]CTTGAGGCTGCCCAGGTAGCCGTTGGGCGAGCAGAGCGGGGGCGACAGGGTGGGCGTGCC-3'
Protein context (NP_060087.3, residues 2141-2161): SPNGYLGSLK[Pro2151Ser]GVQGKKVRKP

ClinVar aggregate classification (germline): Uncertain significance (1 of 4 stars; one submission).

Conditions:
Adams-Oliver syndrome 5 (AOS5). Identifiers: Orphanet 974, MedGen C4014970, MONDO:0014459, OMIM 616028.

Submission:

Labcorp Genetics (formerly Invitae), Labcorp
Classification: Uncertain significance for Adams-Oliver syndrome 5. Last evaluated: 2025-12-24. Review status: criteria provided, single submitter. Criteria: Invitae Variant Classification Sherloc (09022015). Collection method: clinical testing. Allele origin: germline.
Comment: This sequence change replaces proline, which is neutral and non-polar, with serine, which is neutral and polar, at codon 2151 of the NOTCH1 protein (p.Pro2151Ser). This variant is not present in population databases (gnomAD no frequency). This variant has not been reported in the literature in individuals affected with NOTCH1-related conditions. ClinVar contains an entry for this variant (Variation ID: 1024500). Invitae Evidence Modeling of protein sequence and biophysical properties (such as structural, functional, and spatial information, amino acid conservation, physicochemical variation, residue mobility, and thermodynamic stability) indicates that this missense variant is not expected to disrupt NOTCH1 protein function with a negative predictive value of 80%. In summary, the available evidence is currently insufficient to determine the role of this variant in disease. Therefore, it has been classified as a Variant of Uncertain Significance.